The following is an entry in ClinVar:

NM_003601.4(SMARCA5):c.1978C>A (p.His660Asn)

Gene: SMARCA5 (SNF2 related chromatin remodeling ATPase 5; plus strand). Cytogenetic location: 4q31.21.
Variant type: single nucleotide variant.
Coding change: c.1978C>A on transcript NM_003601.4 (MANE Select); coding-DNA position 1978, C replaced by A.
Protein change: p.His660Asn; replaces histidine 660 with asparagine.
Molecular consequence: missense variant.
Genome position (GRCh38, 1-based): chr4:143,543,583, C>A. VCF-style: chr4-143543583-C-A. GRCh37 (hg19) VCF-style: chr4-144464736-C-A.
Other names: short protein forms H660N.
Identifiers: ClinVar variation 3360203 (VCV003360203.1).

ClinVar aggregate classification (germline): Uncertain significance (1 of 4 stars; one submission).

Submission:

GeneDx
Classification: Uncertain significance. Last evaluated: 2023-06-21. Review status: criteria provided, single submitter. Criteria: GeneDx Variant Classification Process June 2021. Collection method: clinical testing. Allele origin: germline. Affected: yes.
Comment: Not observed at significant frequency in large population cohorts (gnomAD); In silico analysis supports that this missense variant does not alter protein structure/function; Has not been previously published as pathogenic or benign to our knowledge